The following is an entry in ClinVar:

NM_001171.6(ABCC6):c.4279G>A (p.Glu1427Lys)

Gene: ABCC6 (ATP binding cassette subfamily C member 6; minus strand). Cytogenetic location: 16p13.11.
Variant type: single nucleotide variant.
Coding change: c.4279G>A on transcript NM_001171.6 (MANE Select); coding-DNA position 4279, G replaced by A.
Protein change: p.Glu1427Lys; replaces glutamic acid 1427 with lysine.
Molecular consequence: missense variant. On other transcripts: non-coding transcript variant (1).
Genome position (GRCh38, 1-based): chr16:16,150,702, C>T on the plus strand (G>A on the coding strand, the complement: ABCC6 is on the minus strand). VCF-style: chr16-16150702-C-T. GRCh37 (hg19) VCF-style: chr16-16244559-C-T.
Other names: c.4279G>A (NM_001171.5); c.3937G>A, p.Glu1313Lys (NM_001351800.1); short protein forms E1427K, E1313K.
Identifiers: ClinVar variation 2137788 (VCV002137788.8), dbSNP rs756910757, ClinGen allele CA7925234.
Genomic context (GRCh38, chr16:16,150,702, plus strand): 5'-AGCTCCCGAGCATGGCCTGCATCTGCAGCTCCGTGCCAGGGTCCACGGCAGCAGTAGCCT[C>T]GTCCAGGATGAGGATCTGGGTCTTCCGGAGAAGGGCACGTGCCAGACACAGGAGCTGTTT-3'
Protein context (NP_001162.5, residues 1417-1437): LRKTQILILD[Glu1427Lys]ATAAVDPGTE

ClinVar aggregate classification (germline): Conflicting classifications of pathogenicity. Review status: criteria provided, conflicting classifications (1 of 4 stars). 4 submissions from 4 submitters: Pathogenic (2); Likely pathogenic (1); Uncertain significance (1). Last evaluated 2025-10-29.

Conditions:
Autosomal recessive inherited pseudoxanthoma elasticum (PXE). Identifiers: Orphanet 758, MedGen CN032334, MONDO:0009925, OMIM 264800.
Pseudoxanthoma elasticum, forme fruste. Also called: PSEUDOXANTHOMA ELASTICUM, HETEROZYGOUS; Pseudoxanthoma Elasticum, Incomplete. Identifiers: Orphanet 758, MedGen C1867450, MONDO:0008333, OMIM 177850.
Arterial calcification, generalized, of infancy, 2. Identifiers: Orphanet 51608, MedGen C3276161, MONDO:0013768, OMIM 614473.
ABCC6-related disorder. Also called: ABCC6-related condition.

Allele frequency attached by ClinVar (database versions not stated): ExAC 0.00001; gnomAD exomes 0.00001.

Submissions (4):

Labcorp Genetics (formerly Invitae), Labcorp
Classification: Pathogenic. Last evaluated: 2025-10-29. Review status: criteria provided, single submitter. Criteria: Invitae Variant Classification Sherloc (09022015). Collection method: clinical testing. Allele origin: germline.
Comment: This sequence change replaces glutamic acid, which is acidic and polar, with lysine, which is basic and polar, at codon 1427 of the ABCC6 protein (p.Glu1427Lys). The frequency data for this variant in the population databases is considered unreliable, as metrics indicate poor data quality at this position in the gnomAD database. This missense change has been observed in individuals with clinical features of pseudoxanthoma elasticum (PMID: 19284998, 28186352, 34906475; internal data). ClinVar contains an entry for this variant (Variation ID: 2137788). Invitae Evidence Modeling of protein sequence and biophysical properties (such as structural, functional, and spatial information, amino acid conservation, physicochemical variation, residue mobility, and thermodynamic stability) indicates that this missense variant is expected to disrupt ABCC6 protein function with a positive predictive value of 95%. For these reasons, this variant has been classified as Pathogenic.

PreventionGenetics, part of Exact Sciences
Classification: Uncertain significance for ABCC6-related condition. Last evaluated: 2023-06-23. Review status: criteria provided, single submitter. Criteria: ACMG Guidelines, 2015. Collection method: clinical testing. Allele origin: germline.
Comment: The ABCC6 c.4279G>A variant is predicted to result in the amino acid substitution p.Glu1427Lys. This variant was reported in a patient with Angioid streaks (Sato et al 2009. PubMed ID: 19284998), a patient with pseudoxanthoma elasticum ( Iwanaga A et al 2017. PubMed ID: 28186352) and patients with Ectopic mineralization (Saeidian AH et al 2021. PubMed ID: 34906475). This variant is reported in 0.0055% of alleles in individuals of East Asian descent in gnomAD. Although we suspect that this variant may be pathogenic, at this time, the clinical significance of this variant is uncertain due to the absence of conclusive functional and genetic evidence.

Blueprint Genetics
Classification: Likely pathogenic for ABCC6-related disorders. Last evaluated: 2022-03-25. Review status: criteria provided, single submitter. Criteria: ACMG Guidelines, 2015. Collection method: clinical testing. Allele origin: germline. Affected: yes. Observed: 4 variant alleles.

Juno Genomics, Hangzhou Juno Genomics, Inc
Classification: Pathogenic for Arterial calcification, generalized, of infancy, 2; Autosomal recessive inherited pseudoxanthoma elasticum; Pseudoxanthoma elasticum, forme fruste. Review status: criteria provided, single submitter. Criteria: ACMG Guidelines, 2015. Collection method: clinical testing. Allele origin: germline.
Comment: Absent from controls (or at extremely low frequency if recessive) in Genome Aggregation Database.;Multiple lines of computational evidence support a deleterious effect on the gene or gene product.;The prevalence of the variant in affected individuals is significantly increased compared to the prevalence in controls.;For recessive disorders, detected in trans with a pathogenic variant.

Literature cited by the submitters: PubMed 19284998 (cited by Labcorp Genetics (formerly Invitae), Labcorp); PubMed 28186352 (cited by Labcorp Genetics (formerly Invitae), Labcorp); PubMed 34906475 (cited by Labcorp Genetics (formerly Invitae), Labcorp).